The following is an entry in ClinVar:

NM_024592.5(SRD5A3):c.*2984A>G

Genes: SRD5A3-AS1 (SRD5A3 antisense RNA 1; minus strand), SRD5A3 (steroid 5 alpha-reductase 3; plus strand). Cytogenetic location: 4q12.
Variant type: single nucleotide variant.
Coding change: c.*2984A>G on transcript NM_024592.5 (MANE Select); 2984 bases downstream of the stop codon, A replaced by G.
Molecular consequence: 3 prime UTR variant.
Genome position (GRCh38, 1-based): chr4:55,373,075, A>G. VCF-style: chr4-55373075-A-G. GRCh37 (hg19) VCF-style: chr4-56239242-A-G.
Identifiers: ClinVar variation 349055 (VCV000349055.5), dbSNP rs73816266, ClinGen allele CA10621249.

ClinVar aggregate classification (germline): Likely benign (1 of 4 stars; one submission).

Conditions:
SRD5A3-congenital disorder of glycosylation. Also called: CDG Iq; COLOBOMA, OCULAR, WITH ICHTHYOSIS, BRAIN MALFORMATIONS, AND ENDOCRINE ABNORMALITIES; Ocular colobomas, ichthyosis, brain malformations and endocrine abnormalities; Congenital disorder of glycosylation type 1Q; SRD5A3-CDG. Identifiers: Orphanet 324737, MedGen C4317224, MONDO:0012885, OMIM 612379.

Allele frequency attached by ClinVar (database versions not stated): 1000 Genomes Project 0.00759; gnomAD 0.00796 and 0.00855; TOPMed 0.00881; 1000 Genomes Project 30x 0.01015.

Submission:

Illumina Laboratory Services, Illumina
Classification: Likely benign for SRD5A3-congenital disorder of glycosylation. Last evaluated: 2018-01-12. Review status: criteria provided, single submitter. Criteria: ICSL Variant Classification Criteria 13 December 2019. Collection method: clinical testing. Allele origin: germline.
Comment: This variant was observed in the ICSL laboratory as part of a predisposition screen in an ostensibly healthy population. It had not been previously curated by ICSL or reported in the Human Gene Mutation Database (HGMD: prior to June 1st, 2018), and was therefore a candidate for classification through an automated scoring system. Utilizing variant allele frequency, disease prevalence and penetrance estimates, and inheritance mode, an automated score was calculated to assess if this variant is too frequent to cause the disease. Based on the score and internal cut-off values, a variant classified as likely benign is not then subjected to further curation. The score for this variant resulted in a classification of likely benign for this disease.